The following is an entry in ClinVar:

ClinVar aggregate classification (germline): Uncertain significance (1 of 4 stars; one submission).

Allele frequency attached by ClinVar (database versions not stated): TOPMed below 0.00001; gnomAD 0.00001; ExAC 0.00002; gnomAD exomes 0.00002.
gnomAD v4.1: 24 of 1,612,488 alleles (0.0015%); highest among the groups gnomAD compares: South Asian, 0.022%; no homozygotes.

Submission:

Labcorp Genetics (formerly Invitae), Labcorp
Classification: Uncertain significance. Last evaluated: 2023-07-17. Review status: criteria provided, single submitter. Criteria: Invitae Variant Classification Sherloc (09022015). Collection method: clinical testing. Allele origin: germline.
Comment: In summary, the available evidence is currently insufficient to determine the role of this variant in disease. Therefore, it has been classified as a Variant of Uncertain Significance. Advanced modeling of protein sequence and biophysical properties (such as structural, functional, and spatial information, amino acid conservation, physicochemical variation, residue mobility, and thermodynamic stability) performed at Invitae indicates that this missense variant is not expected to disrupt CRAT protein function. This variant has not been reported in the literature in individuals affected with CRAT-related conditions. This variant is present in population databases (rs757237993, gnomAD 0.03%). This sequence change replaces valine, which is neutral and non-polar, with isoleucine, which is neutral and non-polar, at codon 79 of the CRAT protein (p.Val79Ile).

NM_000755.5(CRAT):c.235G>A (p.Val79Ile)

Gene: CRAT (carnitine O-acetyltransferase; minus strand). Cytogenetic location: 9q34.11.
Variant type: single nucleotide variant.
Coding change: c.235G>A on transcript NM_000755.5 (MANE Select); coding-DNA position 235, G replaced by A.
Protein change: p.Val79Ile; replaces valine 79 with isoleucine.
Molecular consequence: missense variant. On other transcripts: intron variant (1).
Genome position (GRCh38, 1-based): chr9:129,107,870, C>T on the plus strand (G>A on the coding strand, the complement: CRAT is on the minus strand). VCF-style: chr9-129107870-C-T. GRCh37 (hg19) VCF-style: chr9-131870149-C-T.
Other names: c.172G>A, p.Val58Ile (NM_001257363.3, NM_001346548.2, NM_004003.4); c.238G>A, p.Val80Ile (NM_001346546.2); c.235G>A, p.Val79Ile (NM_001346547.2); c.171+64G>A (NM_001346549.2); short protein forms V79I, V80I, V58I.
Identifiers: ClinVar variation 1946841 (VCV001946841.5), dbSNP rs757237993, ClinGen allele CA5275854.